The following is an entry in ClinVar:

ClinVar aggregate classification (germline): Likely pathogenic (1 of 4 stars; one submission).

Conditions:
Fanconi anemia complementation group G. Also called: FANCG-Related Fanconi Anemia; Fanconi anemia group G. Identifiers: Orphanet 84, MedGen C3469527, MONDO:0013565, OMIM 614082.

Submission:

Natera, Inc.
Classification: Likely pathogenic for Fanconi anemia group G. Last evaluated: 2024-02-20. Review status: criteria provided, single submitter. Criteria: Natera Variant Classification Schema (03/2026). Collection method: clinical testing. Allele origin: germline.
Comment: The c.1146_1147insGGGGG variant in FANCG is a frameshift variant predicted to shift the reading frame beginning at codon 383 and leads to a stop codon 22 codons downstream. This variant is expected to result in nonsense mediated decay, truncation, or a dysfunctional protein product. This variant is rare in the general population with a frequency below the threshold expected for the associated phenotype(s). Given the available evidence, this variant is classified as Likely Pathogenic.

NM_004629.2(FANCG):c.1146_1147insGGGGG (p.Ser383fs)

Gene: FANCG (FA complementation group G; minus strand). Cytogenetic location: 9p13.3.
Variant type: Insertion.
Coding change: c.1146_1147insGGGGG on transcript NM_004629.2 (MANE Select); coding-DNA positions 1146 to 1147, GGGGG inserted.
Protein change: p.Ser383fs; shifts the reading frame from serine 383.
Molecular consequence: frameshift variant.
Genome position: GRCh38 VCF-style: chr9-35075751-A-ACCCCC. GRCh37 (hg19) VCF-style: chr9-35075748-A-ACCCCC.
Other names: short protein forms S383fs.
Identifiers: ClinVar variation 4815363 (VCV004815363.1).